The following is an entry in ClinVar:

ClinVar aggregate classification (germline): Uncertain significance (1 of 4 stars; one submission).

Submission:

Labcorp Genetics (formerly Invitae), Labcorp
Classification: Uncertain significance. Last evaluated: 2024-01-12. Review status: criteria provided, single submitter. Criteria: Invitae Variant Classification Sherloc (09022015). Collection method: clinical testing. Allele origin: germline.
Comment: This sequence change replaces proline, which is neutral and non-polar, with leucine, which is neutral and non-polar, at codon 780 of the BACH2 protein (p.Pro780Leu). This variant is not present in population databases (gnomAD no frequency). This variant has not been reported in the literature in individuals affected with BACH2-related conditions. Advanced modeling of protein sequence and biophysical properties (such as structural, functional, and spatial information, amino acid conservation, physicochemical variation, residue mobility, and thermodynamic stability) performed at Invitae indicates that this missense variant is not expected to disrupt BACH2 protein function with a negative predictive value of 80%. In summary, the available evidence is currently insufficient to determine the role of this variant in disease. Therefore, it has been classified as a Variant of Uncertain Significance.

NM_021813.4(BACH2):c.2339C>T (p.Pro780Leu)

Gene: BACH2 (BACH transcriptional regulator 2; minus strand). Cytogenetic location: 6q15.
Variant type: single nucleotide variant.
Coding change: c.2339C>T on transcript NM_021813.4 (MANE Select); coding-DNA position 2339, C replaced by T.
Protein change: p.Pro780Leu; replaces proline 780 with leucine.
Molecular consequence: missense variant.
Genome position (GRCh38, 1-based): chr6:89,932,595, G>A on the plus strand (C>T on the coding strand, the complement: BACH2 is on the minus strand). VCF-style: chr6-89932595-G-A. GRCh37 (hg19) VCF-style: chr6-90642314-G-A.
Other names: c.2339C>T, p.Pro780Leu (NM_001170794.2); short protein forms P780L.
Identifiers: ClinVar variation 2970744 (VCV002970744.3), dbSNP rs1772726359, ClinGen allele CA365027147.